The following is an entry in ClinVar:

ClinVar aggregate classification (germline): Likely benign. Review status: criteria provided, multiple submitters, no conflicts (2 of 4 stars). 2 submissions from 2 submitters: Likely benign (2). Last evaluated 2026-07-01.

Allele frequency attached by ClinVar (database versions not stated): ExAC 0.00014; gnomAD exomes 0.00125; TOPMed 0.00179; gnomAD 0.00213; 1000 Genomes Project 0.00260; 1000 Genomes Project 30x 0.00265.
gnomAD v4.1: 2,118 of 1,597,946 alleles (0.13%); highest among the groups gnomAD compares: Middle Eastern, 0.18%; 9 homozygotes.

Submissions (2):

CeGaT Center for Human Genetics Tuebingen
Classification: Likely benign. Last evaluated: 2026-07-01. Review status: criteria provided, single submitter. Criteria: CeGaT Center For Human Genetics Tuebingen Variant Classification Criteria Version 2. Collection method: clinical testing. Allele origin: germline. Affected: yes. Observed: 6 variant alleles.
Comment: PPFIBP1: BP4, BS1

Blueprint Genetics
Classification: Likely benign. Last evaluated: 2024-11-25. Review status: criteria provided, single submitter. Criteria: ACMG Guidelines, 2015. Collection method: clinical testing. Allele origin: germline.

NM_003622.4(PPFIBP1):c.471+17G>T

Gene: PPFIBP1 (PPFIB scaffold protein 1; plus strand). Cytogenetic location: 12p11.22.
Variant type: single nucleotide variant.
Coding change: c.471+17G>T on transcript NM_003622.4 (MANE Select); 17 bases into the intron after coding-DNA position 471, G replaced by T.
Molecular consequence: intron variant.
Genome position (GRCh38, 1-based): chr12:27,647,859, G>T. VCF-style: chr12-27647859-G-T. GRCh37 (hg19) VCF-style: chr12-27800792-G-T.
Other names: c.471+17G>T (NM_177444.3, NM_001198916.2); c.12+17G>T (NM_001198915.2).
Identifiers: ClinVar variation 3025301 (VCV003025301.23), dbSNP rs200970429, ClinGen allele CA6493081.